The following is an entry in ClinVar:

ClinVar aggregate classification (germline): Uncertain significance (1 of 4 stars; one submission).

Conditions:
Progressive myoclonic epilepsy. Also called: Myoclonus epilepsy; Progressive myoclonus epilepsy; Familial progressive myoclonic epilepsy; Myoclonic Epilepsies, Progressive. Identifiers: Orphanet 308, Orphanet 98261, MedGen C0751778, MONDO:0020074.

Allele frequency attached by ClinVar (database versions not stated): gnomAD 0.00001.
gnomAD v4.1: 1 of 1,614,198 alleles (0.000062%); highest among the groups gnomAD compares: East Asian, 0.0022%; no homozygotes.

Submission:

Labcorp Genetics (formerly Invitae), Labcorp
Classification: Uncertain significance for Progressive myoclonic epilepsy. Last evaluated: 2025-08-21. Review status: criteria provided, single submitter. Criteria: Invitae Variant Classification Sherloc (09022015). Collection method: clinical testing. Allele origin: germline.
Comment: This sequence change replaces aspartic acid, which is acidic and polar, with glutamic acid, which is acidic and polar, at codon 63 of the CSTB protein (p.Asp63Glu). This variant is not present in population databases (gnomAD no frequency). This variant has not been reported in the literature in individuals affected with CSTB-related conditions. ClinVar contains an entry for this variant (Variation ID: 2128037). An algorithm developed to predict the effect of missense changes on protein structure and function outputs the following: PolyPhen-2: "Benign". The glutamic acid amino acid residue is found in multiple mammalian species, which suggests that this missense change does not adversely affect protein function. In summary, the available evidence is currently insufficient to determine the role of this variant in disease. Therefore, it has been classified as a Variant of Uncertain Significance.

NM_000100.4(CSTB):c.189C>G (p.Asp63Glu)

Gene: CSTB (cystatin B; minus strand). Cytogenetic location: 21q22.3.
Variant type: single nucleotide variant.
Coding change: c.189C>G on transcript NM_000100.4 (MANE Select); coding-DNA position 189, C replaced by G.
Protein change: p.Asp63Glu; replaces aspartic acid 63 with glutamic acid.
Molecular consequence: missense variant.
Genome position (GRCh38, 1-based): chr21:43,774,310, G>C on the plus strand (C>G on the coding strand, the complement: CSTB is on the minus strand). VCF-style: chr21-43774310-G-C. GRCh37 (hg19) VCF-style: chr21-45194191-G-C.
Other names: short protein forms D63E.
Identifiers: ClinVar variation 2128037 (VCV002128037.4), dbSNP rs2123385558, ClinGen allele CA410407997.